The following is an entry in ClinVar:

ClinVar aggregate classification (germline): Uncertain significance (1 of 4 stars; one submission).

Allele frequency attached by ClinVar (database versions not stated): ExAC 0.00001; TOPMed 0.00001; gnomAD 0.00003.
gnomAD v4.1: 8 of 1,614,120 alleles (0.0005%); highest among the groups gnomAD compares: East Asian, 0.0022%; no homozygotes.

Submission:

Labcorp Genetics (formerly Invitae), Labcorp
Classification: Uncertain significance. Last evaluated: 2025-05-29. Review status: criteria provided, single submitter. Criteria: Invitae Variant Classification Sherloc (09022015). Collection method: clinical testing. Allele origin: germline.
Comment: This sequence change replaces arginine, which is basic and polar, with tryptophan, which is neutral and slightly polar, at codon 388 of the ARMC9 protein (p.Arg388Trp). The frequency data for this variant in the population databases is considered unreliable, as metrics indicate poor data quality at this position in the gnomAD database. This variant has not been reported in the literature in individuals affected with ARMC9-related conditions. ClinVar contains an entry for this variant (Variation ID: 2166493). Experimental studies and prediction algorithms are not available or were not evaluated, and the functional significance of this variant is currently unknown. In summary, the available evidence is currently insufficient to determine the role of this variant in disease. Therefore, it has been classified as a Variant of Uncertain Significance.

NM_001352754.2(ARMC9):c.1162C>T (p.Arg388Trp)

Gene: ARMC9 (armadillo repeat containing 9; plus strand). Cytogenetic location: 2q37.1.
Variant type: single nucleotide variant.
Coding change: c.1162C>T on transcript NM_001352754.2 (MANE Select); coding-DNA position 1162, C replaced by T.
Protein change: p.Arg388Trp; replaces arginine 388 with tryptophan.
Molecular consequence: missense variant. On other transcripts: non-coding transcript variant (1).
Genome position (GRCh38, 1-based): chr2:231,271,024, C>T. VCF-style: chr2-231271024-C-T. GRCh37 (hg19) VCF-style: chr2-232135737-C-T.
Other names: c.1162C>T, p.Arg388Trp (NM_001271466.4, NM_001291656.2, NM_001352755.2 and 3 more transcripts); c.1063C>T, p.Arg355Trp (NM_001352757.2, NM_001352758.2); short protein forms R355W, R388W.
Identifiers: ClinVar variation 2166493 (VCV002166493.4), dbSNP rs200265998, ClinGen allele CA2160217.